The following is an entry in ClinVar:

ClinVar aggregate classification (germline): Uncertain significance (1 of 4 stars; one submission).

Submission:

GeneDx
Classification: Uncertain significance. Last evaluated: 2021-06-21. Review status: criteria provided, single submitter. Criteria: GeneDx Variant Classification Process June 2021. Collection method: clinical testing. Allele origin: germline. Affected: yes.
Comment: Not observed in large population cohorts (Lek et al., 2016); In silico analysis supports that this missense variant has a deleterious effect on protein structure/function; Has not been previously published as pathogenic or benign to our knowledge; This variant is associated with the following publications: (PMID: 27535533)

NM_014844.5(TECPR2):c.584T>C (p.Leu195Pro)

Gene: TECPR2 (tectonin beta-propeller repeat containing 2; plus strand). Cytogenetic location: 14q32.31.
Variant type: single nucleotide variant.
Coding change: c.584T>C on transcript NM_014844.5 (MANE Select); coding-DNA position 584, T replaced by C.
Protein change: p.Leu195Pro; replaces leucine 195 with proline.
Molecular consequence: missense variant.
Genome position (GRCh38, 1-based): chr14:102,414,739, T>C. VCF-style: chr14-102414739-T-C. GRCh37 (hg19) VCF-style: chr14-102881076-T-C.
Other names: c.584T>C, p.Leu195Pro (NM_001172631.3); short protein forms L195P.
Identifiers: ClinVar variation 1313262 (VCV001313262.2), dbSNP rs2139702960, ClinGen allele CA391041838.
Genomic context (GRCh38, chr14:102,414,739, plus strand): 5'-TTGTGCAGCTGGATTATAGCCAGAAAGTGCTGCTGGTCTCTACTCTGCAAAGAAGTCTGC[T>C]CTTTTACACTGAAGAAAAGTCTGTAAGGCAAATTGGAACACAACCAAGGAAAAGGTAAGT-3'
Protein context (NP_055659.2, residues 185-205): LLVSTLQRSL[Leu195Pro]FYTEEKSVRQ